The following is an entry in ClinVar:

ClinVar aggregate classification (germline): Likely benign. Review status: criteria provided, multiple submitters, no conflicts (2 of 4 stars). 2 submissions from 2 submitters: Likely benign (2). Last evaluated 2023-06-23.

Allele frequency attached by ClinVar (database versions not stated): gnomAD exomes below 0.00001.
gnomAD v4.1: 1 of 1,613,952 alleles (0.000062%); highest among the groups gnomAD compares: Non-Finnish European, 0.000085%; no homozygotes.

Submissions (2):

Labcorp Genetics (formerly Invitae), Labcorp
Classification: Likely benign. Last evaluated: 2023-06-23. Review status: criteria provided, single submitter. Criteria: Invitae Variant Classification Sherloc (09022015). Collection method: clinical testing. Allele origin: germline.

Laboratory for Molecular Medicine, Mass General Brigham Personalized Medicine
Classification: Likely benign. Last evaluated: 2017-05-31. Review status: criteria provided, single submitter. Criteria: LMM Criteria. Collection method: clinical testing. Allele origin: germline. Observed: 1 variant allele.
Comment: p.Glu3408Glu in exon 52 of USH2A: This variant is not expected to have clinical significance because it does not alter an amino acid residue, and it is not loca ted within the splice consensus sequence.

NM_206933.4(USH2A):c.10224A>G (p.Glu3408=)

Gene: USH2A (usherin; minus strand). Cytogenetic location: 1q41.
Variant type: single nucleotide variant.
Coding change: c.10224A>G on transcript NM_206933.4 (MANE Select); coding-DNA position 10224, A replaced by G.
Protein change: p.Glu3408=; no amino-acid change (glutamic acid 3408 retained).
Molecular consequence: synonymous variant.
Genome position (GRCh38, 1-based): chr1:215,786,833, T>C on the plus strand (A>G on the coding strand, the complement: USH2A is on the minus strand). VCF-style: chr1-215786833-T-C. GRCh37 (hg19) VCF-style: chr1-215960175-T-C.
Identifiers: ClinVar variation 517407 (VCV000517407.8), dbSNP rs1553261931, ClinGen allele CA423314025.